The following is an entry in ClinVar:

ClinVar aggregate classification (germline): Uncertain significance. Review status: criteria provided, multiple submitters, no conflicts (2 of 4 stars). 4 submissions from 4 submitters: Uncertain significance (4). Last evaluated 2025-09-01.

Conditions:
Inborn genetic diseases. Identifiers: MedGen C0950123, MeSH D030342.

Allele frequency attached by ClinVar (database versions not stated): gnomAD 0.00005 and 0.00004; gnomAD exomes 0.00006 and 0.00003; 1000 Genomes Project 30x 0.00031; TOPMed 0.00006; ESP Exome Variant Server 0.00008; ExAC 0.00004; 1000 Genomes Project 0.00020.

Submissions (4):

Labcorp Genetics (formerly Invitae), Labcorp
Classification: Uncertain significance. Last evaluated: 2025-09-01. Review status: criteria provided, single submitter. Criteria: Invitae Variant Classification Sherloc (09022015). Collection method: clinical testing. Allele origin: germline.
Comment: This sequence change replaces valine, which is neutral and non-polar, with isoleucine, which is neutral and non-polar, at codon 66 of the ETV6 protein (p.Val66Ile). This variant is present in population databases (rs139975161, gnomAD 0.05%), and has an allele count higher than expected for a pathogenic variant. This missense change has been observed in individual(s) with acute lymphoblastic leukemia (PMID: 26522332). ClinVar contains an entry for this variant (Variation ID: 1337892). Invitae Evidence Modeling of protein sequence and biophysical properties (such as structural, functional, and spatial information, amino acid conservation, physicochemical variation, residue mobility, and thermodynamic stability) indicates that this missense variant is expected to disrupt ETV6 protein function with a positive predictive value of 80%. In summary, the available evidence is currently insufficient to determine the role of this variant in disease. Therefore, it has been classified as a Variant of Uncertain Significance.

Ambry Genetics
Classification: Uncertain significance for Inborn genetic diseases. Last evaluated: 2024-12-13. Review status: criteria provided, single submitter. Criteria: Ambry Variant Classification Scheme 2023. Collection method: clinical testing. Allele origin: germline.
Comment: The p.V66I variant (also known as c.196G>A), located in coding exon 3 of the ETV6 gene, results from a G to A substitution at nucleotide position 196. The valine at codon 66 is replaced by isoleucine, an amino acid with highly similar properties. This amino acid position is highly conserved in available vertebrate species. In addition, the in silico prediction for this alteration is inconclusive. Based on the available evidence, the clinical significance of this variant remains unclear.

GeneDx
Classification: Uncertain significance. Last evaluated: 2023-07-07. Review status: criteria provided, single submitter. Criteria: GeneDx Variant Classification Process June 2021. Collection method: clinical testing. Allele origin: germline. Affected: yes.
Comment: In silico analysis supports that this missense variant does not alter protein structure/function; Has not been previously published as pathogenic or benign to our knowledge

Genetic Services Laboratory, University of Chicago
Classification: Uncertain significance. Last evaluated: 2021-04-06. Review status: criteria provided, single submitter. Criteria: ACMG Guidelines, 2015. Collection method: clinical testing. Allele origin: germline. Affected: no.
Comment: DNA sequence analysis of the ETV6 gene demonstrated a sequence change, c.196G>A, in exon 3 that results in an amino acid change, p.Val66Ile. This sequence change has been previously described in an individual with myelodysplastic syndrome (PMID: 33415012), however the impact of the variant was not clearly determined. This sequence change has been described in the gnomAD database with a low frequency of 0.045% in east Asian subpopulation (dbSNP rs139975161). The p.Val66Ile change affects a highly conserved amino acid residue located in the PNT domain of the ETV6 protein. In-silico pathogenicity prediction tools (SIFT, PolyPhen2, Align GVGD, REVEL) provide contradictory results for the p.Val66Ile substitution. Due to these contrasting evidences and the lack of functional studies, the clinical significance of the p.Val66Ile change remains unknown at this time.

Literature cited by the submitters: PubMed 26522332 (cited by Labcorp Genetics (formerly Invitae), Labcorp).

NM_001987.5(ETV6):c.196G>A (p.Val66Ile)

Genes: ETV6 (ETS variant transcription factor 6; plus strand), LOC126861451 (BRD4-independent group 4 enhancer GRCh37_chr12:11991350-11992549; plus strand). Cytogenetic location: 12p13.2.
Variant type: single nucleotide variant.
Coding change: c.196G>A on transcript NM_001987.5 (MANE Select); coding-DNA position 196, G replaced by A.
Protein change: p.Val66Ile; replaces valine 66 with isoleucine.
Molecular consequence: missense variant.
Genome position (GRCh38, 1-based): chr12:11,839,172, G>A. VCF-style: chr12-11839172-G-A. GRCh37 (hg19) VCF-style: chr12-11992106-G-A.
Other names: c.196G>A (NM_001987.4); short protein forms V66I.
Identifiers: ClinVar variation 1337892 (VCV001337892.9), dbSNP rs139975161, ClinGen allele CA6454181.